The following is an entry in ClinVar:

ClinVar aggregate classification (germline): Uncertain significance. Review status: criteria provided, multiple submitters, no conflicts (2 of 4 stars). 7 submissions from 7 submitters: Uncertain significance (5). 2 of the submissions do not count toward it. Last evaluated 2025-10-26.

Conditions:
Congenital contractural arachnodactyly (CCA). Also called: BEALS SYNDROME; Arthrogryposis, distal, type 9; Beals-Hecht syndrome. Identifiers: Orphanet 115, MedGen C0220668, MONDO:0007363, OMIM 121050.
Familial thoracic aortic aneurysm and aortic dissection (TAAD). Also called: Thoracic aortic aneurysms and dissections. Identifiers: Orphanet 91387, MedGen C4707243, MONDO:0019625.

Allele frequency attached by ClinVar (database versions not stated): gnomAD exomes 0.00001.
gnomAD v4.1: 3 of 1,614,094 alleles (0.00019%); highest among the groups gnomAD compares: Non-Finnish European, 0.00025%; no homozygotes.

Submissions (7):

Labcorp Genetics (formerly Invitae), Labcorp
Classification: Uncertain significance for Congenital contractural arachnodactyly. Last evaluated: 2025-10-26. Review status: criteria provided, single submitter. Criteria: Invitae Variant Classification Sherloc (09022015). Collection method: clinical testing. Allele origin: germline.
Comment: This sequence change replaces lysine, which is basic and polar, with glutamic acid, which is acidic and polar, at codon 2117 of the FBN2 protein (p.Lys2117Glu). This variant is not present in population databases (gnomAD no frequency). This variant has not been reported in the literature in individuals affected with FBN2-related conditions. ClinVar contains an entry for this variant (Variation ID: 1297483). Invitae Evidence Modeling of protein sequence and biophysical properties (such as structural, functional, and spatial information, amino acid conservation, physicochemical variation, residue mobility, and thermodynamic stability) indicates that this missense variant is not expected to disrupt FBN2 protein function with a negative predictive value of 80%. In summary, the available evidence is currently insufficient to determine the role of this variant in disease. Therefore, it has been classified as a Variant of Uncertain Significance.

Ambry Genetics
Classification: Uncertain significance for Familial thoracic aortic aneurysm and aortic dissection. Last evaluated: 2025-07-16. Review status: criteria provided, single submitter. Criteria: Ambry Variant Classification Scheme 2023. Collection method: clinical testing. Allele origin: germline.
Comment: The p.K2117E variant (also known as c.6349A>G), located in coding exon 50 of the FBN2 gene, results from an A to G substitution at nucleotide position 6349. The lysine at codon 2117 is replaced by glutamic acid, an amino acid with similar properties. This amino acid position is highly conserved in available vertebrate species. In addition, this alteration is predicted to be deleterious by in silico analysis. Based on the available evidence, the clinical significance of this variant remains unclear.

CeGaT Center for Human Genetics Tuebingen
Classification: Uncertain significance. Last evaluated: 2022-05-01. Review status: criteria provided, single submitter. Criteria: CeGaT Center For Human Genetics Tuebingen Variant Classification Criteria Version 2. Collection method: clinical testing. Allele origin: germline. Affected: yes. Observed: 1 variant allele.
Comment: FBN2: PM2

AiLife Diagnostics
Classification: Uncertain significance. Last evaluated: 2022-02-11. Review status: criteria provided, single submitter. Criteria: ACMG Guidelines, 2015. Collection method: clinical testing. Allele origin: germline. Affected: yes. Observed: 1 variant allele.

GeneDx
Classification: Uncertain significance. Last evaluated: 2020-06-26. Review status: criteria provided, single submitter. Criteria: GeneDx Variant Classification Process June 2021. Collection method: clinical testing. Allele origin: germline. Affected: yes.
Comment: Has not been previously published as pathogenic or benign to our knowledge; Not observed in large population cohorts (Lek et al., 2016); In silico analysis supports that this missense variant has a deleterious effect on protein structure/function; Does not affect a cysteine residue within a calcium-binding EGF-like domain of the FBN2 gene; cysteine substitutions in the calcium-binding EGF-like domains represent the majority of pathogenic missense changes associated with FBN2-related disorders (Frederic et al., 2009)

Clinical Genetics DNA and cytogenetics Diagnostics Lab, Erasmus MC, Erasmus Medical Center
Classification: Uncertain significance. Review status: no assertion criteria provided. Collection method: clinical testing. Allele origin: germline. Affected: yes. Study: VKGL Data-share Consensus. Not counted in ClinVar's aggregate classification.

Joint Genome Diagnostic Labs from Nijmegen and Maastricht, Radboudumc and MUMC+
Classification: Uncertain significance. Review status: no assertion criteria provided. Collection method: clinical testing. Allele origin: germline. Affected: yes. Study: VKGL Data-share Consensus. Not counted in ClinVar's aggregate classification.

NM_001999.4(FBN2):c.6349A>G (p.Lys2117Glu)

Gene: FBN2 (fibrillin 2; minus strand). Cytogenetic location: 5q23.3.
Variant type: single nucleotide variant.
Coding change: c.6349A>G on transcript NM_001999.4 (MANE Select); coding-DNA position 6349, A replaced by G.
Protein change: p.Lys2117Glu; replaces lysine 2117 with glutamic acid.
Molecular consequence: missense variant.
Genome position (GRCh38, 1-based): chr5:128,290,828, T>C on the plus strand (A>G on the coding strand, the complement: FBN2 is on the minus strand). VCF-style: chr5-128290828-T-C. GRCh37 (hg19) VCF-style: chr5-127626520-T-C.
Other names: short protein forms K2117E.
Identifiers: ClinVar variation 1297483 (VCV001297483.45), dbSNP rs2126821327, ClinGen allele CA360763977.
Genomic context (GRCh38, chr5:128,290,828, plus strand): 5'-CCCAGCCCTCTCCTGGCATCTTACTACAGCAGCATTTTGCTTTTGTGGTGTTGAAAGCTT[T>C]GGGTACAGAACACTTTCCATTTTCAAAATTTGTGAAGCAGAAGCTCTGGCGAGTATCTAA-3'
Protein context (NP_001990.2, residues 2107-2127): NFENGKCSVP[Lys2117Glu]AFNTTKAKCC